The following is an entry in ClinVar:

ClinVar aggregate classification (germline): Uncertain significance (1 of 4 stars; one submission).

gnomAD v4.1: 27 of 1,485,640 alleles (0.0018%); highest among the groups gnomAD compares: African/African-American, 0.039%; no homozygotes.

Submission:

Labcorp Genetics (formerly Invitae), Labcorp
Classification: Uncertain significance. Last evaluated: 2024-06-14. Review status: criteria provided, single submitter. Criteria: Invitae Variant Classification Sherloc (09022015). Collection method: clinical testing. Allele origin: germline.
Comment: This sequence change falls in intron 23 of the FOCAD gene. It does not directly change the encoded amino acid sequence of the FOCAD protein. This variant is present in population databases (rs201422911, gnomAD 0.02%). This variant has not been reported in the literature in individuals affected with FOCAD-related conditions. In summary, the available evidence is currently insufficient to determine the role of this variant in disease. Therefore, it has been classified as a Variant of Uncertain Significance.

NM_001375567.1(FOCAD):c.2625+9C>T

Gene: FOCAD (focadhesin; plus strand). Cytogenetic location: 9p21.3.
Variant type: single nucleotide variant.
Coding change: c.2625+9C>T on transcript NM_001375567.1 (MANE Select); 9 bases into the intron after coding-DNA position 2625, C replaced by T.
Molecular consequence: intron variant.
Genome position (GRCh38, 1-based): chr9:20,885,239, C>T. VCF-style: chr9-20885239-C-T. GRCh37 (hg19) VCF-style: chr9-20885238-C-T.
Other names: c.2625+9C>T (NM_017794.5); c.2520+9C>T (NM_001375568.1, NM_001375570.1).
Identifiers: ClinVar variation 3718821 (VCV003718821.2).